The following is an entry in ClinVar:

ClinVar aggregate classification (germline): Benign/Likely benign. Review status: criteria provided, multiple submitters, no conflicts (2 of 4 stars). 11 submissions from 11 submitters: Benign (7); Likely benign (1). 3 of the submissions do not count toward it. Last evaluated 2026-02-04.

Conditions:
Donnai-Barrow syndrome. Also called: FACIOOCULOACOUSTICORENAL SYNDROME; DBS/FOAR SYNDROME. Identifiers: Orphanet 2143, MedGen C1857277, MONDO:0009104, OMIM 222448.

Allele frequency attached by ClinVar (database versions not stated): gnomAD exomes 0.27214 and 0.28974; ExAC 0.27826; 1000 Genomes Project 0.30631; 1000 Genomes Project 30x 0.31636; gnomAD 0.32675 and 0.33289; TOPMed 0.32936; ESP Exome Variant Server 0.34130.
gnomAD v4.1: 473,310 of 1,613,762 alleles (29%); highest among the groups gnomAD compares: African/African-American, 45%; 71,748 homozygotes.

Submissions (11):

Labcorp Genetics (formerly Invitae), Labcorp
Classification: Benign. Last evaluated: 2026-02-04. Review status: criteria provided, single submitter. Criteria: Invitae Variant Classification Sherloc (09022015). Collection method: clinical testing. Allele origin: germline.

Blueprint Genetics
Classification: Likely benign. Last evaluated: 2024-11-26. Review status: criteria provided, single submitter. Criteria: ACMG Guidelines, 2015. Collection method: clinical testing. Allele origin: germline.

Mayo Clinic Laboratories, Mayo Clinic
Classification: Benign. Last evaluated: 2022-11-10. Review status: criteria provided, single submitter. Criteria: ACMG Guidelines, 2015. Collection method: clinical testing. Allele origin: germline. Observed: 67 variant alleles.

Genome-Nilou Lab
Classification: Benign for Donnai-Barrow syndrome. Last evaluated: 2021-08-19. Review status: criteria provided, single submitter. Criteria: ACMG Guidelines, 2015. Collection method: clinical testing. Allele origin: germline. Affected: no.

Illumina Laboratory Services, Illumina
Classification: Benign for Donnai-Barrow syndrome. Last evaluated: 2018-01-13. Review status: criteria provided, single submitter. Criteria: ICSL Variant Classification Criteria 13 December 2019. Collection method: clinical testing. Allele origin: germline.
Comment: This variant was observed in the ICSL laboratory as part of a predisposition screen in an ostensibly healthy population. It had not been previously curated by ICSL or reported in the Human Gene Mutation Database (HGMD: prior to June 1st, 2018), and was therefore a candidate for classification through an automated scoring system. Utilizing variant allele frequency, disease prevalence and penetrance estimates, and inheritance mode, an automated score was calculated to assess if this variant is too frequent to cause the disease. Based on the score and internal cut-off values, a variant classified as benign is not then subjected to further curation. The score for this variant resulted in a classification of benign for this disease.

GeneDx
Classification: Benign. Last evaluated: 2015-03-03. Review status: criteria provided, single submitter. Criteria: GeneDx Variant Classification Process June 2021. Collection method: clinical testing. Allele origin: germline. Affected: yes.

Breakthrough Genomics
Classification: Benign. Review status: criteria provided, single submitter. Criteria: ACMG Guidelines, 2015. Collection method: not provided. Allele origin: germline. Inheritance: Autosomal recessive inheritance. Affected: yes.

PreventionGenetics, part of Exact Sciences
Classification: Benign. Review status: criteria provided, single submitter. Criteria: ACMG Guidelines, 2015. Collection method: clinical testing. Allele origin: germline.

Diagnostic Laboratory, Department of Genetics, University Medical Center Groningen
Classification: Benign. Review status: no assertion criteria provided. Collection method: clinical testing. Allele origin: germline. Affected: yes. Study: VKGL Data-share Consensus. Not counted in ClinVar's aggregate classification.

Genetic Services Laboratory, University of Chicago
Classification: Likely benign for AllHighlyPenetrant. Review status: no assertion criteria provided. Collection method: clinical testing. Allele origin: germline. Inheritance: Autosomal recessive inheritance. Not counted in ClinVar's aggregate classification.
Comment: Likely benign based on allele frequency in 1000 Genomes Project or ESP global frequency and its presence in a patient with a rare or unrelated disease phenotype. NOT Sanger confirmed.

Joint Genome Diagnostic Labs from Nijmegen and Maastricht, Radboudumc and MUMC+
Classification: Benign. Review status: no assertion criteria provided. Collection method: clinical testing. Allele origin: germline. Affected: yes. Study: VKGL Data-share Consensus. Not counted in ClinVar's aggregate classification.

NM_004525.3(LRP2):c.248A>G (p.Asn83Ser)

Gene: LRP2 (LDL receptor related protein 2; minus strand). Cytogenetic location: 2q31.1.
Variant type: single nucleotide variant.
Coding change: c.248A>G on transcript NM_004525.3 (MANE Select); coding-DNA position 248, A replaced by G.
Protein change: p.Asn83Ser; replaces asparagine 83 with serine.
Molecular consequence: missense variant.
Genome position (GRCh38, 1-based): chr2:169,318,824, T>C on the plus strand (A>G on the coding strand, the complement: LRP2 is on the minus strand). VCF-style: chr2-169318824-T-C. GRCh37 (hg19) VCF-style: chr2-170175334-T-C.
Other names: short protein forms N83S.
Identifiers: ClinVar variation 129511 (VCV000129511.30), dbSNP rs2229263, ClinGen allele CA153570.